The following is an entry in ClinVar:

NM_020366.4(RPGRIP1):c.2674C>G (p.Pro892Ala)

Gene: RPGRIP1 (RPGR interacting protein 1; plus strand). Cytogenetic location: 14q11.2.
Variant type: single nucleotide variant.
Coding change: c.2674C>G on transcript NM_020366.4 (MANE Select); coding-DNA position 2674, C replaced by G.
Protein change: p.Pro892Ala; replaces proline 892 with alanine.
Molecular consequence: missense variant. On other transcripts: intron variant (4).
Genome position (GRCh38, 1-based): chr14:21,326,137, C>G. VCF-style: chr14-21326137-C-G. GRCh37 (hg19) VCF-style: chr14-21794296-C-G.
Other names: c.1600C>G, p.Pro534Ala (NM_001377948.1); c.796+1412C>G (NM_001377949.1); c.689-1486C>G (NM_001377523.1, NM_001377950.1); c.191-1486C>G (NM_001377951.1); short protein forms P534A, P892A.
Identifiers: ClinVar variation 2392246 (VCV002392246.3), dbSNP rs768968296, ClinGen allele CA7089319.

ClinVar aggregate classification (germline): Uncertain significance. Review status: criteria provided, multiple submitters, no conflicts (2 of 4 stars). 2 submissions from 2 submitters: Uncertain significance (2). Last evaluated 2026-02-12.

Conditions:
RPGRIP1-related disorder. Also called: RPGRIP1-related condition.
Inborn genetic diseases. Identifiers: MedGen C0950123, MeSH D030342.

Allele frequency attached by ClinVar (database versions not stated): TOPMed 0.00001; ExAC 0.00002.
gnomAD v4.1: 7 of 1,584,758 alleles (0.00044%); highest among the groups gnomAD compares: Admixed American, 0.011%; no homozygotes.

Submissions (2):

PreventionGenetics, part of Exact Sciences
Classification: Uncertain significance for RPGRIP1-related condition. Last evaluated: 2026-02-12. Review status: criteria provided, single submitter. Criteria: ACMG Guidelines, 2015. Collection method: clinical testing. Allele origin: germline.
Comment: The RPGRIP1 c.2674C>G variant is predicted to result in the amino acid substitution p.Pro892Ala. To our knowledge, this variant has not been reported in the literature. This variant is reported in 0.016% of alleles in individuals of Latino descent in gnomAD. At this time, the clinical significance of this variant is uncertain due to the absence of conclusive functional and genetic evidence.

Ambry Genetics
Classification: Uncertain significance for Inborn genetic diseases. Last evaluated: 2021-06-22. Review status: criteria provided, single submitter. Criteria: Ambry Variant Classification Scheme 2023. Collection method: clinical testing. Allele origin: germline.